The following is an entry in ClinVar:

ClinVar aggregate classification (germline): Uncertain significance (1 of 4 stars; one submission).

Submission:

Greenwood Genetic Center Diagnostic Laboratories, Greenwood Genetic Center
Classification: Uncertain significance. Last evaluated: 2024-07-02. Review status: criteria provided, single submitter. Criteria: ACMG Guidelines, 2015. Collection method: clinical testing. Allele origin: germline. Affected: yes.
Comment: PM2

NM_001040142.2(SCN2A):c.2817G>A (p.Leu939=)

Gene: SCN2A (sodium voltage-gated channel alpha subunit 2; plus strand). Cytogenetic location: 2q24.3.
Variant type: single nucleotide variant.
Coding change: c.2817G>A on transcript NM_001040142.2 (MANE Select); coding-DNA position 2817, G replaced by A.
Protein change: p.Leu939=; no amino-acid change (leucine 939 retained).
Molecular consequence: synonymous variant.
Genome position (GRCh38, 1-based): chr2:165,344,809, G>A. VCF-style: chr2-165344809-G-A. GRCh37 (hg19) VCF-style: chr2-166201319-G-A.
Other names: c.2817G>A, p.Leu939= (NM_001040143.2, NM_001371246.1, NM_001371247.1 and 1 more transcripts).
Identifiers: ClinVar variation 3765878 (VCV003765878.1).
Genomic context (GRCh38, chr2:165,344,809, plus strand): 5'-ACTCCCACGCTGGCACATGCATGACTTTTTCCACTCCTTCCTGATCGTGTTCCGCGTGCT[G>A]TGTGGAGAGTGGATAGAGACCATGTGGGACTGTATGGAGGTCGCTGGCCAAACCATGTGC-3'
Protein context (NP_001035232.1, residues 929-949): FHSFLIVFRV[Leu939=]CGEWIETMWD